The following is an entry in ClinVar:

ClinVar aggregate classification (germline): Uncertain significance (1 of 4 stars; one submission).

Conditions:
Spastic paraplegia. Identifiers: MedGen C0037772, HP:0001258.

Allele frequency attached by ClinVar (database versions not stated): TOPMed below 0.00001.

Submission:

Labcorp Genetics (formerly Invitae), Labcorp
Classification: Uncertain significance for Spastic paraplegia. Last evaluated: 2024-11-11. Review status: criteria provided, single submitter. Criteria: Invitae Variant Classification Sherloc (09022015). Collection method: clinical testing. Allele origin: germline.
Comment: This sequence change replaces proline, which is neutral and non-polar, with serine, which is neutral and polar, at codon 156 of the B4GALNT1 protein (p.Pro156Ser). This variant is not present in population databases (gnomAD no frequency). This variant has not been reported in the literature in individuals affected with B4GALNT1-related conditions. ClinVar contains an entry for this variant (Variation ID: 2199519). Invitae Evidence Modeling of protein sequence and biophysical properties (such as structural, functional, and spatial information, amino acid conservation, physicochemical variation, residue mobility, and thermodynamic stability) indicates that this missense variant is expected to disrupt B4GALNT1 protein function with a positive predictive value of 80%. In summary, the available evidence is currently insufficient to determine the role of this variant in disease. Therefore, it has been classified as a Variant of Uncertain Significance.

NM_001478.5(B4GALNT1):c.466C>T (p.Pro156Ser)

Gene: B4GALNT1 (beta-1,4-N-acetyl-galactosaminyltransferase 1; minus strand). Cytogenetic location: 12q13.3.
Variant type: single nucleotide variant.
Coding change: c.466C>T on transcript NM_001478.5 (MANE Select); coding-DNA position 466, C replaced by T.
Protein change: p.Pro156Ser; replaces proline 156 with serine.
Molecular consequence: missense variant.
Genome position (GRCh38, 1-based): chr12:57,631,004, G>A on the plus strand (C>T on the coding strand, the complement: B4GALNT1 is on the minus strand). VCF-style: chr12-57631004-G-A. GRCh37 (hg19) VCF-style: chr12-58024787-G-A.
Other names: c.301C>T, p.Pro101Ser (NM_001276468.2, NM_001413978.1); c.466C>T, p.Pro156Ser (NM_001276469.2, NM_001413967.1, NM_001413968.1 and 9 more transcripts); c.-522C>T (NM_001413981.1, NM_001413982.1, NM_001413983.1 and 1 more transcripts); short protein forms P101S, P156S.
Identifiers: ClinVar variation 2199519 (VCV002199519.4), dbSNP rs753678717, ClinGen allele CA385501317.